The following is an entry in ClinVar:

NM_021628.3(ALOXE3):c.-304G>T

Genes: ALOXE3 (arachidonate epidermal lipoxygenase 3; minus strand), LOC126862485 (CDK7 strongly-dependent group 2 enhancer GRCh37_chr17:8020998-8022197; plus strand). Cytogenetic location: 17p13.1.
Variant type: single nucleotide variant.
Coding change: c.-304G>T on transcript NM_021628.3 (MANE Select); 304 bases upstream of the start codon, G replaced by T.
Molecular consequence: 5 prime UTR variant. On other transcripts: missense variant (1).
Genome position (GRCh38, 1-based): chr17:8,118,294, C>A on the plus strand (G>T on the coding strand, the complement: ALOXE3 is on the minus strand). VCF-style: chr17-8118294-C-A. GRCh37 (hg19) VCF-style: chr17-8021612-C-A.
Other names: c.93G>T, p.Gln31His (NM_001165960.1); c.-304G>T (NM_001369446.1); short protein forms Q31H.
Identifiers: ClinVar variation 325983 (VCV000325983.34), dbSNP rs79377087, ClinGen allele CA8368583.

ClinVar aggregate classification (germline): Benign/Likely benign. Review status: criteria provided, multiple submitters, no conflicts (2 of 4 stars). 6 submissions from 6 submitters: Benign (2); Likely benign (4). Last evaluated 2026-07-01.

Conditions:
Autosomal recessive congenital ichthyosis 3 (ARCI3). Also called: ICHTHYOSIS, LAMELLAR, 5. Identifiers: MedGen C3539888, MONDO:0011680, OMIM 606545.

Allele frequency attached by ClinVar (database versions not stated): 1000 Genomes Project 30x 0.00250; 1000 Genomes Project 0.00280; TOPMed 0.00529; gnomAD 0.00560 and 0.00568; gnomAD exomes 0.00600 and 0.00888; ExAC 0.00678.
gnomAD v4.1: 13,212 of 1,551,764 alleles (0.85%); highest among the groups gnomAD compares: Non-Finnish European, 1%; 70 homozygotes.

Submissions (6):

CeGaT Center for Human Genetics Tuebingen
Classification: Benign. Last evaluated: 2026-07-01. Review status: criteria provided, single submitter. Criteria: CeGaT Center For Human Genetics Tuebingen Variant Classification Criteria Version 2. Collection method: clinical testing. Allele origin: germline. Affected: yes. Observed: 4 variant alleles.
Comment: ALOXE3: BP4, BS1, BS2

Blueprint Genetics
Classification: Likely benign. Last evaluated: 2024-11-26. Review status: criteria provided, single submitter. Criteria: ACMG Guidelines, 2015. Collection method: clinical testing. Allele origin: germline.

Labcorp Genetics (formerly Invitae), Labcorp
Classification: Benign. Last evaluated: 2023-09-07. Review status: criteria provided, single submitter. Criteria: Invitae Variant Classification Sherloc (09022015). Collection method: clinical testing. Allele origin: germline.

Illumina Laboratory Services, Illumina
Classification: Likely benign for Autosomal recessive congenital ichthyosis 3. Last evaluated: 2018-01-12. Review status: criteria provided, single submitter. Criteria: ICSL Variant Classification Criteria 13 December 2019. Collection method: clinical testing. Allele origin: germline.
Comment: This variant was observed in the ICSL laboratory as part of a predisposition screen in an ostensibly healthy population. It had not been previously curated by ICSL or reported in the Human Gene Mutation Database (HGMD: prior to June 1st, 2018), and was therefore a candidate for classification through an automated scoring system. Utilizing variant allele frequency, disease prevalence and penetrance estimates, and inheritance mode, an automated score was calculated to assess if this variant is too frequent to cause the disease. Based on the score and internal cut-off values, a variant classified as likely benign is not then subjected to further curation. The score for this variant resulted in a classification of likely benign for this disease.

GeneDx
Classification: Likely benign. Last evaluated: 2016-08-16. Review status: criteria provided, single submitter. Criteria: GeneDx Variant Classification (06012015). Collection method: clinical testing. Allele origin: germline. Affected: yes.
Comment: This variant is considered likely benign or benign based on one or more of the following criteria: it is a conservative change, it occurs at a poorly conserved position in the protein, it is predicted to be benign by multiple in silico algorithms, and/or has population frequency not consistent with disease.

Breakthrough Genomics
Classification: Likely benign. Review status: criteria provided, single submitter. Criteria: ACMG Guidelines, 2015. Collection method: not provided. Allele origin: germline. Inheritance: Autosomal recessive inheritance. Affected: yes.